The following is an entry in ClinVar:

NM_021116.4(ADCY1):c.1833C>T (p.Ser611=)

Gene: ADCY1 (adenylate cyclase 1; plus strand). Cytogenetic location: 7p12.3.
Variant type: single nucleotide variant.
Coding change: c.1833C>T on transcript NM_021116.4 (MANE Select); coding-DNA position 1833, C replaced by T.
Protein change: p.Ser611=; no amino-acid change (serine 611 retained).
Molecular consequence: synonymous variant.
Genome position (GRCh38, 1-based): chr7:45,678,198, C>T. VCF-style: chr7-45678198-C-T. GRCh37 (hg19) VCF-style: chr7-45717797-C-T.
Identifiers: ClinVar variation 708870 (VCV000708870.9), dbSNP rs368312617, ClinGen allele CA4249057.

ClinVar aggregate classification (germline): Likely benign. Review status: criteria provided, multiple submitters, no conflicts (2 of 4 stars). 3 submissions from 3 submitters: Likely benign (3). Last evaluated 2026-07-11.

Conditions:
ADCY1-related disorder. Also called: ADCY1-related condition.

Allele frequency attached by ClinVar (database versions not stated): ExAC 0.00003; gnomAD exomes 0.00003 and 0.00005; TOPMed 0.00003; gnomAD 0.00005; ESP Exome Variant Server 0.00008.
gnomAD v4.1: 46 of 1,614,070 alleles (0.0028%); highest among the groups gnomAD compares: Admixed American, 0.013%; no homozygotes.

Submissions (3):

PreventionGenetics, part of Exact Sciences
Classification: Likely benign for ADCY1-related condition. Last evaluated: 2026-07-11. Review status: criteria provided, single submitter. Criteria: ACMG Guidelines, 2015. Collection method: clinical testing. Allele origin: germline.
Comment: This variant is classified as likely benign based on ACMG/AMP sequence variant interpretation guidelines (Richards et al. 2015 PMID: 25741868, with internal and published modifications).

Labcorp Genetics (formerly Invitae), Labcorp
Classification: Likely benign. Last evaluated: 2023-02-27. Review status: criteria provided, single submitter. Criteria: Invitae Variant Classification Sherloc (09022015). Collection method: clinical testing. Allele origin: germline.

GeneDx
Classification: Likely benign. Last evaluated: 2020-11-20. Review status: criteria provided, single submitter. Criteria: GeneDx Variant Classification Process June 2021. Collection method: clinical testing. Allele origin: germline. Affected: yes.